The following is an entry in ClinVar:

NM_001004356.3(FGFRL1):c.512A>G (p.Lys171Arg)

Gene: FGFRL1 (fibroblast growth factor receptor like 1; plus strand). Cytogenetic location: 4p16.3.
Variant type: single nucleotide variant.
Coding change: c.512A>G on transcript NM_001004356.3 (MANE Select); coding-DNA position 512, A replaced by G.
Protein change: p.Lys171Arg; replaces lysine 171 with arginine.
Molecular consequence: missense variant.
Genome position (GRCh38, 1-based): chr4:1,023,895, A>G. VCF-style: chr4-1023895-A-G. GRCh37 (hg19) VCF-style: chr4-1017683-A-G.
Other names: c.512A>G, p.Lys171Arg (NM_001004358.1, NM_001370296.1, NM_021923.3); short protein forms K171R.
Identifiers: ClinVar variation 2875029 (VCV002875029.3), dbSNP rs1046879369, ClinGen allele CA91129167.
Genomic context (GRCh38, chr4:1,023,895, plus strand): 5'-AGCCCTCCAAGATGAGGCGCCGGGTGATCGCACGGCCCGTGGGTAGCTCCGTGCGGCTCA[A>G]GTGCGTGGCCAGCGGGCACCCTCGGCCCGACATCACGTGGATGAAGGACGACCAGGCCTT-3'
Protein context (NP_001004356.1, residues 161-181): ARPVGSSVRL[Lys171Arg]CVASGHPRPD

ClinVar aggregate classification (germline): Uncertain significance (1 of 4 stars; one submission).

Allele frequency attached by ClinVar (database versions not stated): gnomAD exomes below 0.00001; gnomAD 0.00001; TOPMed 0.00001.
gnomAD v4.1: 8 of 1,580,454 alleles (0.00051%); highest among the groups gnomAD compares: Non-Finnish European, 0.0006%; no homozygotes.

Submission:

Labcorp Genetics (formerly Invitae), Labcorp
Classification: Uncertain significance. Last evaluated: 2023-05-18. Review status: criteria provided, single submitter. Criteria: Invitae Variant Classification Sherloc (09022015). Collection method: clinical testing. Allele origin: germline.
Comment: This sequence change replaces lysine, which is basic and polar, with arginine, which is basic and polar, at codon 171 of the FGFRL1 protein (p.Lys171Arg). This variant is not present in population databases (gnomAD no frequency). This variant has not been reported in the literature in individuals affected with FGFRL1-related conditions. An algorithm developed to predict the effect of missense changes on protein structure and function (PolyPhen-2) suggests that this variant is likely to be tolerated. In summary, the available evidence is currently insufficient to determine the role of this variant in disease. Therefore, it has been classified as a Variant of Uncertain Significance.